The following is an entry in ClinVar:

NM_001253697.2(ERBIN):c.1568A>T (p.Asp523Val)

Gene: ERBIN (erbb2 interacting protein; plus strand). Cytogenetic location: 5q12.3.
Variant type: single nucleotide variant.
Coding change: c.1568A>T on transcript NM_001253697.2 (MANE Select); coding-DNA position 1568, A replaced by T.
Protein change: p.Asp523Val; replaces aspartic acid 523 with valine.
Molecular consequence: missense variant.
Genome position (GRCh38, 1-based): chr5:66,044,276, A>T. VCF-style: chr5-66044276-A-T. GRCh37 (hg19) VCF-style: chr5-65340104-A-T.
Other names: c.1568A>T, p.Asp523Val (NM_001006600.3, NM_001253698.2, NM_001253699.2 and 2 more transcripts); short protein forms D523V.
Identifiers: ClinVar variation 1361617 (VCV001361617.8), dbSNP rs1369396014, ClinGen allele CA359861421.

ClinVar aggregate classification (germline): Uncertain significance (1 of 4 stars; one submission).

gnomAD v4.1: 1 of 1,604,300 alleles (0.000062%); highest among the groups gnomAD compares: Non-Finnish European, 0.000085%; no homozygotes.

Submission:

Labcorp Genetics (formerly Invitae), Labcorp
Classification: Uncertain significance. Last evaluated: 2022-09-09. Review status: criteria provided, single submitter. Criteria: Invitae Variant Classification Sherloc (09022015). Collection method: clinical testing. Allele origin: germline.
Comment: In summary, the available evidence is currently insufficient to determine the role of this variant in disease. Therefore, it has been classified as a Variant of Uncertain Significance. Algorithms developed to predict the effect of missense changes on protein structure and function are either unavailable or do not agree on the potential impact of this missense change (SIFT: "Deleterious"; PolyPhen-2: "Benign"; Align-GVGD: "Class C0"). ClinVar contains an entry for this variant (Variation ID: 1361617). This variant has not been reported in the literature in individuals affected with ERBIN-related conditions. This variant is not present in population databases (gnomAD no frequency). This sequence change replaces aspartic acid, which is acidic and polar, with valine, which is neutral and non-polar, at codon 523 of the ERBIN protein (p.Asp523Val).